The following is an entry in ClinVar:

ClinVar aggregate classification (germline): Uncertain significance (1 of 4 stars; one submission).

Allele frequency attached by ClinVar (database versions not stated): gnomAD exomes below 0.00001 and 0.00001; ExAC 0.00001.
gnomAD v4.1: 2 of 1,613,866 alleles (0.00012%); highest among the groups gnomAD compares: Non-Finnish European, 0.00017%; no homozygotes.

Submission:

Labcorp Genetics (formerly Invitae), Labcorp
Classification: Uncertain significance. Last evaluated: 2021-03-15. Review status: criteria provided, single submitter. Criteria: Invitae Variant Classification Sherloc (09022015). Collection method: clinical testing. Allele origin: germline.
Comment: This variant has not been reported in the literature in individuals with PCLO-related conditions. This sequence change replaces lysine with glutamic acid at codon 1394 of the PCLO protein (p.Lys1394Glu). The lysine residue is moderately conserved and there is a small physicochemical difference between lysine and glutamic acid. This variant is present in population databases (rs752886115, ExAC 0.002%). Algorithms developed to predict the effect of missense changes on protein structure and function are either unavailable or do not agree on the potential impact of this missense change (SIFT: "Tolerated"; PolyPhen-2: "Not Available"; Align-GVGD: "Class C0"). In summary, the available evidence is currently insufficient to determine the role of this variant in disease. Therefore, it has been classified as a Variant of Uncertain Significance.

NM_033026.6(PCLO):c.4180A>G (p.Lys1394Glu)

Gene: PCLO (piccolo presynaptic cytomatrix protein; minus strand). Cytogenetic location: 7q21.11.
Variant type: single nucleotide variant.
Coding change: c.4180A>G on transcript NM_033026.6 (MANE Select); coding-DNA position 4180, A replaced by G.
Protein change: p.Lys1394Glu; replaces lysine 1394 with glutamic acid.
Molecular consequence: missense variant.
Genome position (GRCh38, 1-based): chr7:82,956,773, T>C on the plus strand (A>G on the coding strand, the complement: PCLO is on the minus strand). VCF-style: chr7-82956773-T-C. GRCh37 (hg19) VCF-style: chr7-82586089-T-C.
Other names: c.4180A>G, p.Lys1394Glu (NM_014510.3); short protein forms K1394E.
Identifiers: ClinVar variation 1516809 (VCV001516809.8), dbSNP rs752886115, ClinGen allele CA4320875.